The following is an entry in ClinVar:

ClinVar aggregate classification (germline): Uncertain significance. Review status: criteria provided, multiple submitters, no conflicts (2 of 4 stars). 2 submissions from 2 submitters: Uncertain significance (2). Last evaluated 2025-12-23.

Conditions:
KAT6B-related multiple congenital anomalies syndrome. Identifiers: Orphanet 597749, MedGen C5680266, MONDO:0036042.
Genitopatellar syndrome (GTPTS). Also called: ABSENT PATELLAE, SCROTAL HYPOPLASIA, RENAL ANOMALIES, FACIAL DYSMORPHISM, AND MENTAL RETARDATION; Genitopatellar syndrome (GPS). Identifiers: Orphanet 85201, MedGen C1853566, MONDO:0011640, OMIM 606170.

gnomAD v4.1: 3 of 1,574,878 alleles (0.00019%); highest among the groups gnomAD compares: African/African-American, 0.0027%; no homozygotes.

Submissions (2):

Dasa
Classification: Uncertain significance for KAT6B-related multiple congenital anomalies syndrome. Last evaluated: 2025-12-23. Review status: criteria provided, single submitter. Criteria: DASA Assertion Criteria. Collection method: clinical testing. Allele origin: germline.
Comment: NM_012330.4(KAT6B):c.4084G>A (p.Glu1362Lys) is a missense variant that results in the substitution of glutamic acid with lysine. This variant is rare in population databases. Computational prediction algorithms are consistent with a benign effect. The currently available literature and clinical evidence are not sufficient to establish a definitive association between this variant and the reported condition. Therefore, this variant is classified as a variant of uncertain significance.

Labcorp Genetics (formerly Invitae), Labcorp
Classification: Uncertain significance for Genitopatellar syndrome. Last evaluated: 2024-05-06. Review status: criteria provided, single submitter. Criteria: Invitae Variant Classification Sherloc (09022015). Collection method: clinical testing. Allele origin: germline.
Comment: This sequence change replaces glutamic acid, which is acidic and polar, with lysine, which is basic and polar, at codon 1362 of the KAT6B protein (p.Glu1362Lys). The frequency data for this variant in the population databases is considered unreliable, as metrics indicate poor data quality at this position in the gnomAD database. This variant has not been reported in the literature in individuals affected with KAT6B-related conditions. Advanced modeling of protein sequence and biophysical properties (such as structural, functional, and spatial information, amino acid conservation, physicochemical variation, residue mobility, and thermodynamic stability) performed at Invitae indicates that this missense variant is not expected to disrupt KAT6B protein function with a negative predictive value of 80%. In summary, the available evidence is currently insufficient to determine the role of this variant in disease. Therefore, it has been classified as a Variant of Uncertain Significance.

NM_012330.4(KAT6B):c.4084G>A (p.Glu1362Lys)

Gene: KAT6B (lysine acetyltransferase 6B; plus strand). Cytogenetic location: 10q22.2.
Variant type: single nucleotide variant.
Coding change: c.4084G>A on transcript NM_012330.4 (MANE Select); coding-DNA position 4084, G replaced by A.
Protein change: p.Glu1362Lys; replaces glutamic acid 1362 with lysine.
Molecular consequence: missense variant.
Genome position (GRCh38, 1-based): chr10:75,028,908, G>A. VCF-style: chr10-75028908-G-A. GRCh37 (hg19) VCF-style: chr10-76788666-G-A.
Other names: c.3535G>A, p.Glu1179Lys (NM_001256468.2, NM_001370138.1); c.3208G>A, p.Glu1070Lys (NM_001256469.2, NM_001370139.1, NM_001370140.1 and 2 more transcripts); c.3046G>A, p.Glu1016Lys (NM_001370132.1); c.3019G>A, p.Glu1007Lys (NM_001370143.1, NM_001370144.1); c.2395G>A, p.Glu799Lys (NM_001370133.1); c.1999G>A, p.Glu667Lys (NM_001370134.1); c.1741G>A, p.Glu581Lys (NM_001370135.1); c.4084G>A, p.Glu1362Lys (NM_001370136.1, NM_001370137.1); short protein forms E799K, E1007K, E1362K, E581K, E667K, E1070K, E1016K, E1179K.
Identifiers: ClinVar variation 3706225 (VCV003706225.4).